The following is an entry in ClinVar:

NM_080732.4(EGLN2):c.1208C>T (p.Pro403Leu)

Genes: EGLN2 (egl-9 family hypoxia inducible factor 2; plus strand), RAB4B-EGLN2 (RAB4B-EGLN2 readthrough (NMD candidate); plus strand). Cytogenetic location: 19q13.2.
Variant type: single nucleotide variant.
Coding change: c.1208C>T on transcript NM_080732.4 (MANE Select); coding-DNA position 1208, C replaced by T.
Protein change: p.Pro403Leu; replaces proline 403 with leucine.
Molecular consequence: missense variant. On other transcripts: non-coding transcript variant (1).
Genome position (GRCh38, 1-based): chr19:40,807,848, C>T. VCF-style: chr19-40807848-C-T. GRCh37 (hg19) VCF-style: chr19-41313753-C-T.
Other names: c.1208C>T, p.Pro403Leu (NM_053046.4); short protein forms P403L.
Identifiers: ClinVar variation 1749267 (VCV001749267.3), dbSNP rs779415979, ClinGen allele CA9452491.

ClinVar aggregate classification (germline): Uncertain significance (1 of 4 stars; one submission).

Allele frequency attached by ClinVar (database versions not stated): gnomAD 0.00001; gnomAD exomes 0.00001; TOPMed 0.00001; ExAC 0.00002.

Submission:

Ambry Genetics
Classification: Uncertain significance. Last evaluated: 2023-08-31. Review status: criteria provided, single submitter. Criteria: Ambry Variant Classification Scheme 2023. Collection method: clinical testing. Allele origin: germline.
Comment: The p.P403L variant (also known as c.1208C>T), located in coding exon 5 of the EGLN2 gene, results from a C to T substitution at nucleotide position 1208. The proline at codon 403 is replaced by leucine, an amino acid with similar properties. This amino acid position is conserved. In addition, this alteration is predicted to be tolerated by in silico analysis. Since supporting evidence is limited at this time, the clinical significance of this alteration remains unclear.